The following is an entry in ClinVar:

ClinVar aggregate classification (germline): Uncertain significance (0 of 4 stars; one submission).

Conditions:
TRRAP-related disorder. Also called: TRRAP-related condition.

gnomAD v4.1: 1 of 1,613,262 alleles (0.000062%); highest among the groups gnomAD compares: Non-Finnish European, 0.000085%; no homozygotes.

Submission:

PreventionGenetics, part of Exact Sciences
Classification: Uncertain significance for TRRAP-related condition. Last evaluated: 2024-05-09. Review status: no assertion criteria provided. Collection method: clinical testing. Allele origin: germline.
Comment: The TRRAP c.8984A>G variant is predicted to result in the amino acid substitution p.Asp2995Gly. To our knowledge, this variant has not been reported in the literature or in a large population database, indicating this variant is rare. At this time, the clinical significance of this variant is uncertain due to the absence of conclusive functional and genetic evidence.

NM_001375524.1(TRRAP):c.9059A>G (p.Asp3020Gly)

Gene: TRRAP (transformation/transcription domain associated protein; plus strand). Cytogenetic location: 7q22.1.
Variant type: single nucleotide variant.
Coding change: c.9059A>G on transcript NM_001375524.1 (MANE Select); coding-DNA position 9059, A replaced by G.
Protein change: p.Asp3020Gly; replaces aspartic acid 3020 with glycine.
Molecular consequence: missense variant.
Genome position (GRCh38, 1-based): chr7:98,984,129, A>G. VCF-style: chr7-98984129-A-G. GRCh37 (hg19) VCF-style: chr7-98581752-A-G.
Other names: c.9071A>G, p.Asp3024Gly (NM_001244580.2); c.8984A>G, p.Asp2995Gly (NM_003496.4); short protein forms D2995G, D3020G, D3024G.
Identifiers: ClinVar variation 3346665 (VCV003346665.1).
Genomic context (GRCh38, chr7:98,984,129, plus strand): 5'-ATGATTCCTTTCTTTGCCCTCTAGCGATTGTAACTGCCTATGAGAATAGCTCTCAGCATG[A>G]TCCCAGTTCAAATAACGCTATGCTTGGGGTTCATGCATCAGCTTCAGCGATCATCCAGTA-3'
Protein context (NP_001362453.1, residues 3010-3030): VTAYENSSQH[Asp3020Gly]PSSNNAMLGV